The following is an entry in ClinVar:

ClinVar aggregate classification (germline): Conflicting classifications of pathogenicity. Review status: criteria provided, conflicting classifications (1 of 4 stars). 2 submissions from 2 submitters: Uncertain significance (1); Likely benign (1). Last evaluated 2025-03-19.

Conditions:
Spinocerebellar ataxia type 42. Identifiers: Orphanet 458803, MedGen C4225205, MONDO:0014776, OMIM 616795.

gnomAD v4.1: 21 of 1,546,968 alleles (0.0014%); highest among the groups gnomAD compares: Admixed American, 0.0019%; no homozygotes.

Submissions (2):

Labcorp Genetics (formerly Invitae), Labcorp
Classification: Likely benign. Last evaluated: 2025-03-19. Review status: criteria provided, single submitter. Criteria: Invitae Variant Classification Sherloc (09022015). Collection method: clinical testing. Allele origin: germline.

Neuberg Centre For Genomic Medicine, NCGM
Classification: Uncertain significance for Spinocerebellar ataxia type 42. Last evaluated: 2023-05-20. Review status: criteria provided, single submitter. Criteria: ACMG Guidelines, 2015. Collection method: clinical testing. Allele origin: germline. Inheritance: Autosomal dominant inheritance. Affected: yes.
Comment: The observed missense variant c.757G>A (p.Val253Met) in CACNA1G gene has not been reported previously as a pathogenic variant nor as a benign variant, to our knowledge. The p.Val253Met variant has allele frequency 0.002 % in gnomAD Exomes. This variant has not been submitted to the ClinVar database. Computational evidence (Polyphen - Damaging, SIFT - Tolerated and Mutation Taster -Disease causing) predicts conflicting evidence on protein structure and function for this variant. The amino acid change p.Val253Met in CACNA1G is predicted as conserved by GERP++ and PhyloP across 100 vertebrates. The amino acid Val at position 253 is changed to a Met changing protein sequence and it might alter its composition and physico-chemical properties. For these reasons, this variant has been classified as Variant of Uncertain Significance (VUS).

NM_018896.5(CACNA1G):c.757G>A (p.Val253Met)

Gene: CACNA1G (calcium voltage-gated channel subunit alpha1 G; plus strand). Cytogenetic location: 17q21.33.
Variant type: single nucleotide variant.
Coding change: c.757G>A on transcript NM_018896.5 (MANE Select); coding-DNA position 757, G replaced by A.
Protein change: p.Val253Met; replaces valine 253 with methionine.
Molecular consequence: missense variant. On other transcripts: non-coding transcript variant (5).
Genome position (GRCh38, 1-based): chr17:50,572,564, G>A. VCF-style: chr17-50572564-G-A. GRCh37 (hg19) VCF-style: chr17-48649925-G-A.
Other names: c.757G>A, p.Val253Met (NM_001256324.2, NM_001256325.2, NM_001256326.2 and 24 more transcripts); short protein forms V253M.
Identifiers: ClinVar variation 3341487 (VCV003341487.2).